The following is an entry in ClinVar:

ClinVar aggregate classification (germline): Uncertain significance (1 of 4 stars; one submission).

Submission:

Labcorp Genetics (formerly Invitae), Labcorp
Classification: Uncertain significance. Last evaluated: 2025-09-21. Review status: criteria provided, single submitter. Criteria: Invitae Variant Classification Sherloc (09022015). Collection method: clinical testing. Allele origin: germline.
Comment: This sequence change creates a premature translational stop signal (p.Arg403*) in the KIF22 gene. It is expected to result in an absent or disrupted protein product. However, the current clinical and genetic evidence is not sufficient to establish whether loss-of-function variants in KIF22 cause disease. This variant is not present in population databases (gnomAD no frequency). This variant has not been reported in the literature in individuals affected with KIF22-related conditions. In summary, the available evidence is currently insufficient to determine the role of this variant in disease. Therefore, it has been classified as a Variant of Uncertain Significance.

NM_007317.3(KIF22):c.1207C>T (p.Arg403Ter)

Gene: KIF22 (kinesin family member 22; plus strand). Cytogenetic location: 16p11.2.
Variant type: single nucleotide variant.
Coding change: c.1207C>T on transcript NM_007317.3 (MANE Select); coding-DNA position 1207, C replaced by T.
Protein change: p.Arg403Ter; replaces arginine 403 with a stop codon.
Molecular consequence: nonsense.
Genome position (GRCh38, 1-based): chr16:29,799,975, C>T. VCF-style: chr16-29799975-C-T. GRCh37 (hg19) VCF-style: chr16-29811296-C-T.
Other names: c.1003C>T, p.Arg335Ter (NM_001256269.2, NM_001256270.1); short protein forms R403*, R335*.
Identifiers: ClinVar variation 4709220 (VCV004709220.1).
Genomic context (GRCh38, chr16:29,799,975, plus strand): 5'-TTGGGACCTGTTAAGCTGTCTCAGAAAGAATTGCTTGGTCCACCAGAGGCAAAGAGAGCC[C>T]GAGGCCCTGAGGAAGAGGAGATCGGGAGCCCTGAGCCCATGGCAGCTCCAGCCTCTGCCT-3'